The following is an entry in ClinVar:

NM_001042492.3(NF1):c.499T>G (p.Cys167Gly)

Gene: NF1 (neurofibromin 1; plus strand). Cytogenetic location: 17q11.2.
Variant type: single nucleotide variant.
Coding change: c.499T>G on transcript NM_001042492.3 (MANE Select); coding-DNA position 499, T replaced by G.
Protein change: p.Cys167Gly; replaces cysteine 167 with glycine.
Molecular consequence: missense variant.
Genome position (GRCh38, 1-based): chr17:31,169,910, T>G. VCF-style: chr17-31169910-T-G. GRCh37 (hg19) VCF-style: chr17-29496928-T-G.
Other names: c.499T>G, p.Cys167Gly (NM_000267.4, NM_001128147.3); short protein forms C167G.
Identifiers: ClinVar variation 841326 (VCV000841326.6), dbSNP rs2065903351, ClinGen allele CA398984802.

ClinVar aggregate classification (germline): Uncertain significance (1 of 4 stars; one submission).

Conditions:
Neurofibromatosis, type 1 (NF1). Also called: Peripheral type neurofibromatosis; VON RECKLINGHAUSEN DISEASE; Neurofibromatosis, type I; NEUROFIBROMATOSIS, TYPE I, SOMATIC. Identifiers: Orphanet 636, MedGen C0027831, MONDO:0018975, OMIM 162200. Disease mechanism: loss of function.

Submission:

Labcorp Genetics (formerly Invitae), Labcorp
Classification: Uncertain significance for Neurofibromatosis, type 1. Last evaluated: 2022-09-17. Review status: criteria provided, single submitter. Criteria: Invitae Variant Classification Sherloc (09022015). Collection method: clinical testing. Allele origin: germline.
Comment: In summary, the available evidence is currently insufficient to determine the role of this variant in disease. Therefore, it has been classified as a Variant of Uncertain Significance. Advanced modeling of protein sequence and biophysical properties (such as structural, functional, and spatial information, amino acid conservation, physicochemical variation, residue mobility, and thermodynamic stability) performed at Invitae indicates that this missense variant is expected to disrupt NF1 protein function. ClinVar contains an entry for this variant (Variation ID: 841326). This variant has not been reported in the literature in individuals affected with NF1-related conditions. This variant is not present in population databases (gnomAD no frequency). This sequence change replaces cysteine, which is neutral and slightly polar, with glycine, which is neutral and non-polar, at codon 167 of the NF1 protein (p.Cys167Gly).